The following is an entry in ClinVar:

ClinVar aggregate classification (germline): Likely benign (1 of 4 stars; one submission).

gnomAD v4.1: 764 of 1,545,644 alleles (0.049%); highest among the groups gnomAD compares: Non-Finnish European, 0.064%; no homozygotes.

Submission:

CeGaT Center for Human Genetics Tuebingen
Classification: Likely benign. Last evaluated: 2026-09-01. Review status: criteria provided, single submitter. Criteria: CeGaT Center For Human Genetics Tuebingen Variant Classification Criteria Version 2. Collection method: clinical testing. Allele origin: germline. Affected: yes. Observed: 3 variant alleles.
Comment: SLF2: BP4, BP7

NM_018121.4(SLF2):c.2307A>G (p.Gln769=)

Gene: SLF2 (SMC5/6 complex localization factor 2; plus strand). Cytogenetic location: 10q24.31.
Variant type: single nucleotide variant.
Coding change: c.2307A>G on transcript NM_018121.4 (MANE Select); coding-DNA position 2307, A replaced by G.
Protein change: p.Gln769=; no amino-acid change (glutamine 769 retained).
Molecular consequence: synonymous variant.
Genome position (GRCh38, 1-based): chr10:100,929,971, A>G. VCF-style: chr10-100929971-A-G. GRCh37 (hg19) VCF-style: chr10-102689728-A-G.
Other names: c.2307A>G, p.Gln769= (NM_001136123.2).
Identifiers: ClinVar variation 4820814 (VCV004820814.4).